The following is an entry in ClinVar:

NM_021977.4(SLC22A3):c.-29G>A

Gene: SLC22A3 (solute carrier family 22 member 3; plus strand). Cytogenetic location: 6q25.3.
Variant type: single nucleotide variant.
Coding change: c.-29G>A on transcript NM_021977.4 (MANE Select); 29 bases upstream of the start codon, G replaced by A.
Molecular consequence: 5 prime UTR variant.
Genome position (GRCh38, 1-based): chr6:160,348,391, G>A. VCF-style: chr6-160348391-G-A. GRCh37 (hg19) VCF-style: chr6-160769423-G-A.
Identifiers: ClinVar variation 1241019 (VCV001241019.2), dbSNP rs555754, ClinGen allele CA4084827.

ClinVar aggregate classification (germline): Benign (1 of 4 stars; one submission).

Allele frequency attached by ClinVar (database versions not stated): 1000 Genomes Project 0.43011; 1000 Genomes Project 30x 0.43941; gnomAD exomes 0.46695 and 0.46813; gnomAD 0.48953 and 0.49718; TOPMed 0.49038; ExAC 0.52832; ESP Exome Variant Server 0.56816.
gnomAD v4.1: 670,623 of 1,429,486 alleles (47%); highest among the groups gnomAD compares: African/African-American, 56%; 159,083 homozygotes.

Submission:

GeneDx
Classification: Benign. Last evaluated: 2019-11-14. Review status: criteria provided, single submitter. Criteria: GeneDx Variant Classification Process June 2021. Collection method: clinical testing. Allele origin: germline. Affected: yes.
Comment: This variant is associated with the following publications: (PMID: 22231567)